The following is an entry in ClinVar:

NM_198253.3(TERT):c.146C>T (p.Ala49Val)

Genes: TERT (telomerase reverse transcriptase; minus strand), LOC110806263 (TERT 5' regulatory region; plus strand). Cytogenetic location: 5p15.33.
Variant type: single nucleotide variant.
Coding change: c.146C>T on transcript NM_198253.3 (MANE Select); coding-DNA position 146, C replaced by T.
Protein change: p.Ala49Val; replaces alanine 49 with valine.
Molecular consequence: missense variant. On other transcripts: non-coding transcript variant (2).
Genome position (GRCh38, 1-based): chr5:1,294,844, G>A on the plus strand (C>T on the coding strand, the complement: TERT is on the minus strand). VCF-style: chr5-1294844-G-A. GRCh37 (hg19) VCF-style: chr5-1294959-G-A.
Other names: c.146C>T, p.Ala49Val (NM_001193376.3); short protein forms A49V.
Identifiers: ClinVar variation 410695 (VCV000410695.11), dbSNP rs1060503013, ClinGen allele CA16611807.

ClinVar aggregate classification (germline): Uncertain significance. Review status: criteria provided, multiple submitters, no conflicts (2 of 4 stars). 2 submissions from 2 submitters: Uncertain significance (2). Last evaluated 2026-01-07.

Conditions:
Dyskeratosis congenita, autosomal dominant 2. Identifiers: MedGen C3151443, MONDO:0013521, OMIM 613989.
Idiopathic Pulmonary Fibrosis. Also called: Idiopathic fibrosing alveolitis, chronic form; idiopathic fibrosing alveolitis. Identifiers: Orphanet 2032, MedGen C1800706, MeSH D054990, MONDO:0800504.
Dyskeratosis congenita. Identifiers: Orphanet 1775, MedGen C0265965, MONDO:0015780.

Allele frequency attached by ClinVar (database versions not stated): gnomAD 0.00001.
gnomAD v4.1: 9 of 1,460,184 alleles (0.00062%); highest among the groups gnomAD compares: African/African-American, 0.0015%; no homozygotes.

Submissions (2):

Labcorp Genetics (formerly Invitae), Labcorp
Classification: Uncertain significance for Dyskeratosis congenita, autosomal dominant 2; Idiopathic Pulmonary Fibrosis. Last evaluated: 2026-01-07. Review status: criteria provided, single submitter. Criteria: Invitae Variant Classification Sherloc (09022015). Collection method: clinical testing. Allele origin: germline.
Comment: This sequence change replaces alanine, which is neutral and non-polar, with valine, which is neutral and non-polar, at codon 49 of the TERT protein (p.Ala49Val). This variant is not present in population databases (gnomAD no frequency). This variant has not been reported in the literature in individuals affected with TERT-related conditions. ClinVar contains an entry for this variant (Variation ID: 410695). An algorithm developed to predict the effect of missense changes on protein structure and function outputs the following: PolyPhen-2: "Benign". The valine amino acid residue is found in multiple mammalian species, which suggests that this missense change does not adversely affect protein function. In summary, the available evidence is currently insufficient to determine the role of this variant in disease. Therefore, it has been classified as a Variant of Uncertain Significance.

Ambry Genetics
Classification: Uncertain significance for Dyskeratosis congenita. Last evaluated: 2025-03-07. Review status: criteria provided, single submitter. Criteria: Ambry Variant Classification Scheme 2023. Collection method: clinical testing. Allele origin: germline.
Comment: The p.A49V variant (also known as c.146C>T), located in coding exon 1 of the TERT gene, results from a C to T substitution at nucleotide position 146. The alanine at codon 49 is replaced by valine, an amino acid with similar properties. This amino acid position is not well conserved in available vertebrate species. In addition, this alteration is predicted to be tolerated by in silico analysis. Based on the available evidence, the clinical significance of this variant remains unclear.